The following is an entry in ClinVar:

NM_001164508.2(NEB):c.2609C>T (p.Ser870Phe)

Gene: NEB (nebulin; minus strand). Cytogenetic location: 2q23.3.
Variant type: single nucleotide variant.
Coding change: c.2609C>T on transcript NM_001164508.2 (MANE Select); coding-DNA position 2609, C replaced by T.
Protein change: p.Ser870Phe; replaces serine 870 with phenylalanine.
Molecular consequence: missense variant.
Genome position (GRCh38, 1-based): chr2:151,687,447, G>A on the plus strand (C>T on the coding strand, the complement: NEB is on the minus strand). VCF-style: chr2-151687447-G-A. GRCh37 (hg19) VCF-style: chr2-152543961-G-A.
Other names: c.2609C>T, p.Ser870Phe (NM_001164507.2, NM_001271208.2, NM_004543.5); short protein forms S870F.
Identifiers: ClinVar variation 1518858 (VCV001518858.7), dbSNP rs896068588, ClinGen allele CA57666148.

ClinVar aggregate classification (germline): Uncertain significance. Review status: criteria provided, multiple submitters, no conflicts (2 of 4 stars). 2 submissions from 2 submitters: Uncertain significance (2). Last evaluated 2022-04-11.

Conditions:
Nemaline myopathy 2 (NEM2). Also called: Nemaline myopathy 2, autosomal recessive. Identifiers: MedGen C1850569, MONDO:0009725, OMIM 256030.

Submissions (2):

Laboratorio de Genetica e Diagnostico Molecular, Hospital Israelita Albert Einstein
Classification: Uncertain significance. Last evaluated: 2022-04-11. Review status: criteria provided, single submitter. Criteria: ACMG Guidelines, 2015. Collection method: clinical testing. Allele origin: germline. Affected: yes.
Comment: ACMG classification criteria: BP4

Labcorp Genetics (formerly Invitae), Labcorp
Classification: Uncertain significance for Nemaline myopathy 2. Last evaluated: 2021-09-01. Review status: criteria provided, single submitter. Criteria: Invitae Variant Classification Sherloc (09022015). Collection method: clinical testing. Allele origin: germline.
Comment: This sequence change replaces serine with phenylalanine at codon 870 of the NEB protein (p.Ser870Phe). The serine residue is moderately conserved and there is a large physicochemical difference between serine and phenylalanine. This variant is not present in population databases (ExAC no frequency). This variant has not been reported in the literature in individuals affected with NEB-related conditions. Algorithms developed to predict the effect of missense changes on protein structure and function are either unavailable or do not agree on the potential impact of this missense change (SIFT: "Deleterious"; PolyPhen-2: "Not Available"; Align-GVGD: "Class C0"). In summary, the available evidence is currently insufficient to determine the role of this variant in disease. Therefore, it has been classified as a Variant of Uncertain Significance.